The following is an entry in ClinVar:

NM_002471.4(MYH6):c.4960G>A (p.Asp1654Asn)

Genes: MYH6 (myosin heavy chain 6; minus strand), LOC126861896 (BRD4-independent group 4 enhancer GRCh37_chr14:23854904-23856103; plus strand). Cytogenetic location: 14q11.2.
Variant type: single nucleotide variant.
Coding change: c.4960G>A on transcript NM_002471.4 (MANE Select); coding-DNA position 4960, G replaced by A.
Protein change: p.Asp1654Asn; replaces aspartic acid 1654 with asparagine.
Molecular consequence: missense variant.
Genome position (GRCh38, 1-based): chr14:23,386,131, C>T on the plus strand (G>A on the coding strand, the complement: MYH6 is on the minus strand). VCF-style: chr14-23386131-C-T. GRCh37 (hg19) VCF-style: chr14-23855340-C-T.
Other names: short protein forms D1654N.
Identifiers: ClinVar variation 2729172 (VCV002729172.3), dbSNP rs767658491, ClinGen allele CA7114583.
Genomic context (GRCh38, chr14:23,386,131, plus strand): 5'-CGATGTTCTCCTTCAGGTCGTCGTTGGCACGGACCGCATCGTCCAGCTGGATCTGGGTGT[C>T]CTGAGCATCAGGAGAGTGGGTGTGAGCAGAAGCCAGCCTCGGTGCCCTTCACTGAGGGCA-3'
Protein context (NP_002462.2, residues 1644-1664): QVKSLQSLLK[Asp1654Asn]TQIQLDDAVR

ClinVar aggregate classification (germline): Uncertain significance (1 of 4 stars; one submission).

Conditions:
Hypertrophic cardiomyopathy 14. Identifiers: MedGen C2750467, MONDO:0013197, OMIM 613251.

Allele frequency attached by ClinVar (database versions not stated): gnomAD exomes below 0.00001; ExAC 0.00001.
gnomAD v4.1: 3 of 1,614,224 alleles (0.00019%); highest among the groups gnomAD compares: Non-Finnish European, 0.00025%; no homozygotes.

Submission:

Labcorp Genetics (formerly Invitae), Labcorp
Classification: Uncertain significance for Hypertrophic cardiomyopathy 14. Last evaluated: 2023-06-28. Review status: criteria provided, single submitter. Criteria: Invitae Variant Classification Sherloc (09022015). Collection method: clinical testing. Allele origin: germline.
Comment: This variant has not been reported in the literature in individuals affected with MYH6-related conditions. An algorithm developed to predict the effect of missense changes on protein structure and function (PolyPhen-2) suggests that this variant is likely to be disruptive. Algorithms developed to predict the effect of sequence changes on RNA splicing suggest that this variant may create or strengthen a splice site. In summary, the available evidence is currently insufficient to determine the role of this variant in disease. Therefore, it has been classified as a Variant of Uncertain Significance. This variant is not present in population databases (gnomAD no frequency). This sequence change replaces aspartic acid, which is acidic and polar, with asparagine, which is neutral and polar, at codon 1654 of the MYH6 protein (p.Asp1654Asn).